The following is an entry in ClinVar:

NM_032634.4(PIGO):c.1741A>G (p.Ile581Val)

Gene: PIGO (phosphatidylinositol glycan anchor biosynthesis class O; minus strand). Cytogenetic location: 9p13.3.
Variant type: single nucleotide variant.
Coding change: c.1741A>G on transcript NM_032634.4 (MANE Select); coding-DNA position 1741, A replaced by G.
Protein change: p.Ile581Val; replaces isoleucine 581 with valine.
Molecular consequence: missense variant. On other transcripts: intron variant (2).
Genome position (GRCh38, 1-based): chr9:35,092,146, T>C on the plus strand (A>G on the coding strand, the complement: PIGO is on the minus strand). VCF-style: chr9-35092146-T-C. GRCh37 (hg19) VCF-style: chr9-35092143-T-C.
Other names: c.1344+397A>G (NM_152850.4, NM_001201484.2); short protein forms I581V.
Identifiers: ClinVar variation 1434170 (VCV001434170.8), dbSNP rs1390829462, ClinGen allele CA373321509.

ClinVar aggregate classification (germline): Uncertain significance (1 of 4 stars; one submission).

Conditions:
Hyperphosphatasia with impaired intellectual development syndrome 2. Also called: Hyperphosphatasia with intellectual disability syndrome 2; GLYCOSYLPHOSPHATIDYLINOSITOL BIOSYNTHESIS DEFECT 6. Identifiers: Orphanet 247262, MedGen C3553637, MONDO:0013882, OMIM 614749.

Allele frequency attached by ClinVar (database versions not stated): gnomAD exomes below 0.00001; TOPMed below 0.00001.
gnomAD v4.1: 6 of 1,614,066 alleles (0.00037%); highest among the groups gnomAD compares: African/African-American, 0.0027%; no homozygotes.

Submission:

Labcorp Genetics (formerly Invitae), Labcorp
Classification: Uncertain significance for Hyperphosphatasia with impaired intellectual development syndrome 2. Last evaluated: 2021-03-29. Review status: criteria provided, single submitter. Criteria: Invitae Variant Classification Sherloc (09022015). Collection method: clinical testing. Allele origin: germline.
Comment: This sequence change replaces isoleucine with valine at codon 581 of the PIGO protein (p.Ile581Val). The isoleucine residue is moderately conserved and there is a small physicochemical difference between isoleucine and valine. This variant is not present in population databases (ExAC no frequency). This variant has not been reported in the literature in individuals with PIGO-related conditions. Algorithms developed to predict the effect of missense changes on protein structure and function output the following: SIFT: "Tolerated"; PolyPhen-2: "Benign"; Align-GVGD: "Class C0". The valine amino acid residue is found in multiple mammalian species, suggesting that this missense change does not adversely affect protein function. These predictions have not been confirmed by published functional studies and their clinical significance is uncertain. In summary, the available evidence is currently insufficient to determine the role of this variant in disease. Therefore, it has been classified as a Variant of Uncertain Significance.